The following is an entry in ClinVar:

NM_006270.5(RRAS):c.422G>C (p.Gly141Ala)

Gene: RRAS (RAS related; minus strand). Cytogenetic location: 19q13.33.
Variant type: single nucleotide variant.
Coding change: c.422G>C on transcript NM_006270.5 (MANE Select); coding-DNA position 422, G replaced by C.
Protein change: p.Gly141Ala; replaces glycine 141 with alanine.
Molecular consequence: missense variant.
Genome position (GRCh38, 1-based): chr19:49,636,650, C>G on the plus strand (G>C on the coding strand, the complement: RRAS is on the minus strand). VCF-style: chr19-49636650-C-G. GRCh37 (hg19) VCF-style: chr19-50139907-C-G.
Other names: c.422G>C (NM_006270.3); short protein forms G141A.
Identifiers: ClinVar variation 1432373 (VCV001432373.9), dbSNP rs369240501, ClinGen allele CA9579025.
Genomic context (GRCh38, chr19:49,636,650, plus strand): 5'-GGGTCCCCAGAAAGAGGGGTGTCCCGAACCTGGCGCTGTGACTCCAGATCTGCCTTGTTC[C>G]CGACCAACACAACGGGGAAGTCGTCGCGGTCCTTGACCCGCAGAATCTGCGTGAAGAGCT-3'
Protein context (NP_006261.1, residues 131-151): DRDDFPVVLV[Gly141Ala]NKADLESQRQ

ClinVar aggregate classification (germline): Uncertain significance. Review status: criteria provided, multiple submitters, no conflicts (2 of 4 stars). 2 submissions from 2 submitters: Uncertain significance (2). Last evaluated 2024-03-15.

Conditions:
Noonan syndrome (NS). Also called: Noonan's syndrome. Identifiers: Orphanet 648, MedGen C0028326, MeSH D009634, MONDO:0018997. Disease mechanism: gain of function.

Allele frequency attached by ClinVar (database versions not stated): ESP Exome Variant Server 0.00008; gnomAD exomes 0.00001; TOPMed 0.00001; ExAC 0.00002; gnomAD 0.00001.

Submissions (2):

Ambry Genetics
Classification: Uncertain significance. Last evaluated: 2024-03-15. Review status: criteria provided, single submitter. Criteria: Ambry Variant Classification Scheme 2023. Collection method: clinical testing. Allele origin: germline.
Comment: The p.G141A variant (also known as c.422G>C), located in coding exon 4 of the RRAS gene, results from a G to C substitution at nucleotide position 422. The glycine at codon 141 is replaced by alanine, an amino acid with similar properties. This amino acid position is conserved. In addition, the in silico prediction for this alteration is inconclusive. Based on the available evidence, the clinical significance of this alteration remains unclear.

Labcorp Genetics (formerly Invitae), Labcorp
Classification: Uncertain significance for Noonan syndrome. Last evaluated: 2021-04-09. Review status: criteria provided, single submitter. Criteria: Invitae Variant Classification Sherloc (09022015). Collection method: clinical testing. Allele origin: germline.
Comment: In summary, the available evidence is currently insufficient to determine the role of this variant in disease. Therefore, it has been classified as a Variant of Uncertain Significance. Algorithms developed to predict the effect of missense changes on protein structure and function (SIFT, PolyPhen-2, Align-GVGD) all suggest that this variant is likely to be disruptive, but these predictions have not been confirmed by published functional studies and their clinical significance is uncertain. This variant has not been reported in the literature in individuals with RRAS-related conditions. This variant is present in population databases (rs369240501, ExAC 0.003%). This sequence change replaces glycine with alanine at codon 141 of the RRAS protein (p.Gly141Ala). The glycine residue is highly conserved and there is a small physicochemical difference between glycine and alanine.